The following is an entry in ClinVar:

NM_018089.3(ANKZF1):c.809C>G (p.Thr270Arg)

Gene: ANKZF1 (ankyrin repeat and zinc finger peptidyl tRNA hydrolase 1; plus strand). Cytogenetic location: 2q35.
Variant type: single nucleotide variant.
Coding change: c.809C>G on transcript NM_018089.3 (MANE Select); coding-DNA position 809, C replaced by G.
Protein change: p.Thr270Arg; replaces threonine 270 with arginine.
Molecular consequence: missense variant.
Genome position (GRCh38, 1-based): chr2:219,233,423, C>G. VCF-style: chr2-219233423-C-G. GRCh37 (hg19) VCF-style: chr2-220098145-C-G.
Other names: c.809C>G, p.Thr270Arg (NM_001042410.2); c.179C>G, p.Thr60Arg (NM_001282792.2); short protein forms T270R, T60R.
Identifiers: ClinVar variation 2050398 (VCV002050398.4), dbSNP rs375323924, ClinGen allele CA2120867.

ClinVar aggregate classification (germline): Uncertain significance (1 of 4 stars; one submission).

Allele frequency attached by ClinVar (database versions not stated): ExAC 0.00002.
gnomAD v4.1: 11 of 1,612,146 alleles (0.00068%); highest among the groups gnomAD compares: Admixed American, 0.017%; no homozygotes.

Submission:

Labcorp Genetics (formerly Invitae), Labcorp
Classification: Uncertain significance. Last evaluated: 2025-07-20. Review status: criteria provided, single submitter. Criteria: Invitae Variant Classification Sherloc (09022015). Collection method: clinical testing. Allele origin: germline.
Comment: This sequence change replaces threonine, which is neutral and polar, with arginine, which is basic and polar, at codon 270 of the ANKZF1 protein (p.Thr270Arg). This variant is present in population databases (rs375323924, gnomAD 0.03%). This variant has not been reported in the literature in individuals affected with ANKZF1-related conditions. ClinVar contains an entry for this variant (Variation ID: 2050398). An algorithm developed to predict the effect of missense changes on protein structure and function (PolyPhen-2) suggests that this variant is likely to be tolerated. In summary, the available evidence is currently insufficient to determine the role of this variant in disease. Therefore, it has been classified as a Variant of Uncertain Significance.